The following is an entry in ClinVar:

NM_000180.4(GUCY2D):c.2837C>A (p.Ala946Glu)

Gene: GUCY2D (guanylate cyclase 2D, retinal; plus strand). Cytogenetic location: 17p13.1.
Variant type: single nucleotide variant.
Coding change: c.2837C>A on transcript NM_000180.4 (MANE Select); coding-DNA position 2837, C replaced by A.
Protein change: p.Ala946Glu; replaces alanine 946 with glutamic acid.
Molecular consequence: missense variant.
Genome position (GRCh38, 1-based): chr17:8,015,395, C>A. VCF-style: chr17-8015395-C-A. GRCh37 (hg19) VCF-style: chr17-7918713-C-A.
Other names: short protein forms A946E.
Identifiers: ClinVar variation 848290 (VCV000848290.9), dbSNP rs61750180, ClinGen allele CA397954538.
Genomic context (GRCh38, chr17:8,015,395, plus strand): 5'-CAATAGGGGACGCCTATATGGTGGCCTCGGGGCTGCCCCAGCGGAATGGGCAGCGACACG[C>A]GGCAGAGATCGCCAACATGTCACTGGACATCCTCAGTGCCGTGGGCACTTTCCGCATGCG-3'
Protein context (NP_000171.1, residues 936-956): GLPQRNGQRH[Ala946Glu]AEIANMSLDI

ClinVar aggregate classification (germline): Uncertain significance. Review status: criteria provided, single submitter (1 of 4 stars). 2 submissions from 2 submitters: Uncertain significance (1). 1 of the submissions does not count toward it. Last evaluated 2022-03-10.

Conditions:
Cone-rod dystrophy 6 (CORD6). Also called: Cone dystrophy progressive; RETINAL CONE DYSTROPHY 2. Identifiers: Orphanet 1872, MedGen C1866293, MONDO:0011143, OMIM 601777.
Leber congenital amaurosis 1 (LCA1). Also called: AMAUROSIS CONGENITA OF LEBER I; Congenital absence of the rods and cones; Leber's congenital tapetoretinal degeneration; Leber's congenital tapetoretinal dysplasia; RETINAL BLINDNESS, CONGENITAL. Identifiers: Orphanet 65, MedGen C2931258, MONDO:0008764, OMIM 204000.

gnomAD v4.1: 25 of 1,613,286 alleles (0.0015%); highest among the groups gnomAD compares: Non-Finnish European, 0.0021%; no homozygotes.

Submissions (2):

Labcorp Genetics (formerly Invitae), Labcorp
Classification: Uncertain significance for Leber congenital amaurosis 1; Cone-rod dystrophy 6. Last evaluated: 2022-03-10. Review status: criteria provided, single submitter. Criteria: Invitae Variant Classification Sherloc (09022015). Collection method: clinical testing. Allele origin: germline.
Comment: This sequence change replaces alanine, which is neutral and non-polar, with glutamic acid, which is acidic and polar, at codon 946 of the GUCY2D protein (p.Ala946Glu). This variant is not present in population databases (gnomAD no frequency). This missense change has been observed in individual(s) with autosomal recessive inherited retinal disease (PMID: 28341476). ClinVar contains an entry for this variant (Variation ID: 848290). Algorithms developed to predict the effect of missense changes on protein structure and function (SIFT, PolyPhen-2, Align-GVGD) all suggest that this variant is likely to be disruptive. This variant disrupts the p.Ala946 amino acid residue in GUCY2D. Other variant(s) that disrupt this residue have been observed in individuals with GUCY2D-related conditions (PMID: 16505055), which suggests that this may be a clinically significant amino acid residue. In summary, the available evidence is currently insufficient to determine the role of this variant in disease. Therefore, it has been classified as a Variant of Uncertain Significance.

Genomics England Pilot Project, Genomics England
Classification: Likely pathogenic for Cone-rod dystrophy 6. Review status: no assertion criteria provided. Criteria: ACGS Guidelines, 2016. Collection method: clinical testing. Allele origin: germline. Affected: yes. Not counted in ClinVar's aggregate classification.

Literature cited by the submitters: PubMed 28341476 (cited by Labcorp Genetics (formerly Invitae), Labcorp); PubMed 16505055 (cited by Labcorp Genetics (formerly Invitae), Labcorp).